The following is an entry in ClinVar:

ClinVar aggregate classification (germline): Uncertain significance (1 of 4 stars; one submission).

Submission:

Labcorp Genetics (formerly Invitae), Labcorp
Classification: Uncertain significance. Last evaluated: 2023-10-03. Review status: criteria provided, single submitter. Criteria: Invitae Variant Classification Sherloc (09022015). Collection method: clinical testing. Allele origin: germline.
Comment: This sequence change replaces proline, which is neutral and non-polar, with threonine, which is neutral and polar, at codon 589 of the RIMS1 protein (p.Pro589Thr). This variant is not present in population databases (gnomAD no frequency). This variant has not been reported in the literature in individuals affected with RIMS1-related conditions. ClinVar contains an entry for this variant (Variation ID: 945357). An algorithm developed to predict the effect of missense changes on protein structure and function (PolyPhen-2) suggests that this variant is likely to be disruptive. In summary, the available evidence is currently insufficient to determine the role of this variant in disease. Therefore, it has been classified as a Variant of Uncertain Significance.

NM_014989.7(RIMS1):c.1765C>A (p.Pro589Thr)

Gene: RIMS1 (regulating synaptic membrane exocytosis 1; plus strand). Cytogenetic location: 6q13.
Variant type: single nucleotide variant.
Coding change: c.1765C>A on transcript NM_014989.7 (MANE Select); coding-DNA position 1765, C replaced by A.
Protein change: p.Pro589Thr; replaces proline 589 with threonine.
Molecular consequence: missense variant. On other transcripts: 5 prime UTR variant (9).
Genome position (GRCh38, 1-based): chr6:72,235,636, C>A. VCF-style: chr6-72235636-C-A. GRCh37 (hg19) VCF-style: chr6-72945339-C-A.
Other names: c.187C>A, p.Pro63Thr (NM_001168407.2, NM_001168408.2, NM_001350414.2 and 37 more transcripts); c.-57C>A (NM_001168409.2, NM_001350461.2, NM_001350463.2 and 6 more transcripts); c.142C>A, p.Pro48Thr (NM_001168410.2, NM_001350470.2, NM_001350472.2 and 2 more transcripts); c.118C>A, p.Pro40Thr (NM_001350421.2, NM_001350424.2, NM_001350428.2 and 6 more transcripts); short protein forms P63T, P40T, P589T, P48T.
Identifiers: ClinVar variation 945357 (VCV000945357.9), dbSNP rs2063719341, ClinGen allele CA364823516.